The following is an entry in ClinVar:

ClinVar aggregate classification (germline): Uncertain significance. Review status: criteria provided, single submitter (1 of 4 stars). 2 submissions from 2 submitters: Uncertain significance (1). 1 of the submissions does not count toward it. Last evaluated 2021-07-06.

Conditions:
Inborn genetic diseases. Identifiers: MedGen C0950123, MeSH D030342.
PCNT-related disorder. Also called: PCNT-related condition.

Allele frequency attached by ClinVar (database versions not stated): gnomAD exomes 0.00005; ExAC 0.00010; gnomAD 0.00010; TOPMed 0.00012; 1000 Genomes Project 30x 0.00016; 1000 Genomes Project 0.00020.
gnomAD v4.1: 84 of 1,608,320 alleles (0.0052%); highest among the groups gnomAD compares: African/African-American, 0.017%; no homozygotes.

Submissions (2):

Ambry Genetics
Classification: Uncertain significance for Inborn genetic diseases. Last evaluated: 2021-07-06. Review status: criteria provided, single submitter. Criteria: Ambry Variant Classification Scheme 2023. Collection method: clinical testing. Allele origin: germline.

PreventionGenetics, part of Exact Sciences
Classification: Uncertain significance for PCNT-related condition. Last evaluated: 2024-03-01. Review status: no assertion criteria provided. Collection method: clinical testing. Allele origin: germline. Not counted in ClinVar's aggregate classification.
Comment: The PCNT c.841C>T variant is predicted to result in the amino acid substitution p.Arg281Trp. To our knowledge, this variant has not been reported in the literature. This variant is reported in 0.038% of alleles in individuals of African descent in gnomAD. At this time, the clinical significance of this variant is uncertain due to the absence of conclusive functional and genetic evidence.

NM_006031.6(PCNT):c.841C>T (p.Arg281Trp)

Gene: PCNT (pericentrin; plus strand). Cytogenetic location: 21q22.3.
Variant type: single nucleotide variant.
Coding change: c.841C>T on transcript NM_006031.6 (MANE Select); coding-DNA position 841, C replaced by T.
Protein change: p.Arg281Trp; replaces arginine 281 with tryptophan.
Molecular consequence: missense variant.
Genome position (GRCh38, 1-based): chr21:46,346,863, C>T. VCF-style: chr21-46346863-C-T. GRCh37 (hg19) VCF-style: chr21-47766777-C-T.
Other names: c.487C>T, p.Arg163Trp (NM_001315529.2); short protein forms R163W, R281W.
Identifiers: ClinVar variation 2217371 (VCV002217371.4), dbSNP rs575037430, ClinGen allele CA10078426.